The following is an entry in ClinVar:

NM_025144.4(ALPK1):c.794T>A (p.Leu265Ter)

Gene: ALPK1 (alpha kinase 1; plus strand). Cytogenetic location: 4q25.
Variant type: single nucleotide variant.
Coding change: c.794T>A on transcript NM_025144.4 (MANE Select); coding-DNA position 794, T replaced by A.
Protein change: p.Leu265Ter; replaces leucine 265 with a stop codon.
Molecular consequence: nonsense.
Genome position (GRCh38, 1-based): chr4:112,427,664, T>A. VCF-style: chr4-112427664-T-A. GRCh37 (hg19) VCF-style: chr4-113348820-T-A.
Other names: c.794T>A, p.Leu265Ter (NM_001102406.2); c.560T>A, p.Leu187Ter (NM_001253884.2); short protein forms L187*, L265*.
Identifiers: ClinVar variation 4806275 (VCV004806275.1).

ClinVar aggregate classification (germline): Uncertain significance (1 of 4 stars; one submission).

Submission:

Labcorp Genetics (formerly Invitae), Labcorp
Classification: Uncertain significance. Last evaluated: 2025-10-31. Review status: criteria provided, single submitter. Criteria: Invitae Variant Classification Sherloc (09022015). Collection method: clinical testing. Allele origin: germline.
Comment: This sequence change creates a premature translational stop signal (p.Leu265*) in the ALPK1 gene. It is expected to result in an absent or disrupted protein product. However, the current clinical and genetic evidence is not sufficient to establish whether loss-of-function variants in ALPK1 cause disease. This variant is not present in population databases (gnomAD no frequency). This variant has not been reported in the literature in individuals affected with ALPK1-related conditions. In summary, the available evidence is currently insufficient to determine the role of this variant in disease. Therefore, it has been classified as a Variant of Uncertain Significance.